The following is an entry in ClinVar:

ClinVar aggregate classification (germline): Uncertain significance (1 of 4 stars; one submission).

Submission:

GeneDx
Classification: Uncertain significance. Last evaluated: 2025-11-20. Review status: criteria provided, single submitter. Criteria: GeneDx Variant Classification Process June 2021. Collection method: clinical testing. Allele origin: germline.
Comment: Not observed at significant frequency in large population cohorts (gnomAD); Frameshift variant predicted to result in protein truncation or nonsense mediated decay in a gene or region of a gene for which loss of function is not a well-established mechanism of disease; Has not been previously published as pathogenic or benign to our knowledge; Variants in candidate genes are classified as variants of uncertain significance in accordance with ACMG guidelines (PMID: 25741868)

NM_014717.3(ZNF536):c.784dup (p.Ser262fs)

Gene: ZNF536 (zinc finger protein 536; plus strand). Cytogenetic location: 19q12.
Variant type: Duplication.
Coding change: c.784dup on transcript NM_014717.3 (MANE Select); coding-DNA position 784, one base duplicated (A; older notation c.784dupA).
Protein change: p.Ser262fs; shifts the reading frame from serine 262.
Molecular consequence: frameshift variant.
Genome position (GRCh38, 1-based): chr19:30,444,346, A duplicated. VCF-style (leftmost placement, unchanged base first): chr19-30444345-C-CA. GRCh37 (hg19) VCF-style: chr19-30935252-C-CA.
Other names: c.784dup, p.Ser262fs (NM_001352260.2, NM_001376110.1, NM_001376111.1 and 1 more transcripts); short protein forms S262fs.
Identifiers: ClinVar variation 4975205 (VCV004975205.1).